The following is an entry in ClinVar:

ClinVar aggregate classification (germline): Uncertain significance (1 of 4 stars; one submission).

Submission:

GeneDx
Classification: Uncertain significance. Last evaluated: 2026-03-16. Review status: criteria provided, single submitter. Criteria: GeneDx Variant Classification Process June 2021. Collection method: clinical testing. Allele origin: germline.
Comment: Has not been previously published as pathogenic or benign to our knowledge; In silico analysis suggests that this variant does not alter protein structure/function; In-frame deletion of 3 amino acid(s) in a non-repeat region; Not observed at significant frequency in large population cohorts (gnomAD)

NM_016148.5(SHANK1):c.4004_4012del (p.Pro1335_Pro1337del)

Gene: SHANK1 (SH3 and multiple ankyrin repeat domains 1; minus strand). Cytogenetic location: 19q13.33.
Variant type: Deletion.
Coding change: c.4004_4012del on transcript NM_016148.5 (MANE Select); coding-DNA positions 4004 to 4012, 9 bases deleted (CGCGACCCC; older notation c.4004_4012delCGCGACCCC).
Protein change: p.Pro1335_Pro1337del.
Molecular consequence: inframe deletion.
Genome position (GRCh38, 1-based): chr19:50,667,948-50,667,956, GGGGTCGCG deleted on the plus strand (CGCGACCCC on the coding strand, the reverse complement: SHANK1 is on the minus strand); deleting any 9 consecutive bases within chr19:50,667,948-50,667,960 gives the same sequence; the c. name uses the placement nearest the transcript's 3' end. VCF-style (leftmost placement, unchanged base first): chr19-50667947-AGGGGTCGCG-A. GRCh37 (hg19) VCF-style: chr19-51171204-AGGGGTCGCG-A.
Identifiers: ClinVar variation 5008723 (VCV005008723.1).